The following is an entry in ClinVar:

ClinVar aggregate classification (germline): Uncertain significance. Review status: criteria provided, multiple submitters, no conflicts (2 of 4 stars). 2 submissions from 2 submitters: Uncertain significance (2). Last evaluated 2025-03-17.

Conditions:
Kabuki syndrome. Also called: NIIKAWA-KUROKI SYNDROME; Kabuki make-up syndrome. Identifiers: Orphanet 2322, MedGen C0796004, MONDO:0016512.
Kabuki syndrome 1 (KABUK1). Also called: KMT2D-Related Kabuki Syndrome. Identifiers: Orphanet 2322, MedGen CN030661, MONDO:0007843, OMIM 147920.

Allele frequency attached by ClinVar (database versions not stated): gnomAD exomes below 0.00001.
gnomAD v4.1: 4 of 1,612,560 alleles (0.00025%); highest among the groups gnomAD compares: Non-Finnish European, 0.00025%; no homozygotes.

Submissions (2):

Labcorp Genetics (formerly Invitae), Labcorp
Classification: Uncertain significance for Kabuki syndrome. Last evaluated: 2025-03-17. Review status: criteria provided, single submitter. Criteria: Invitae Variant Classification Sherloc (09022015). Collection method: clinical testing. Allele origin: germline.
Comment: This sequence change replaces proline, which is neutral and non-polar, with leucine, which is neutral and non-polar, at codon 3101 of the KMT2D protein (p.Pro3101Leu). This variant is not present in population databases (gnomAD no frequency). This variant has not been reported in the literature in individuals affected with KMT2D-related conditions. ClinVar contains an entry for this variant (Variation ID: 992808). Invitae Evidence Modeling of protein sequence and biophysical properties (such as structural, functional, and spatial information, amino acid conservation, physicochemical variation, residue mobility, and thermodynamic stability) indicates that this missense variant is not expected to disrupt KMT2D protein function with a negative predictive value of 95%. In summary, the available evidence is currently insufficient to determine the role of this variant in disease. Therefore, it has been classified as a Variant of Uncertain Significance.

New York Genome Center
Classification: Uncertain significance for Kabuki syndrome 1. Last evaluated: 2019-07-25. Review status: criteria provided, single submitter. Criteria: NYGC Assertion Criteria 2020. Collection method: clinical testing. Allele origin: germline. Observed: 1 heterozygote. Study: CSER-NYCKidSeq.

NM_003482.4(KMT2D):c.9302C>T (p.Pro3101Leu)

Gene: KMT2D (lysine methyltransferase 2D; minus strand). Cytogenetic location: 12q13.12.
Variant type: single nucleotide variant.
Coding change: c.9302C>T on transcript NM_003482.4 (MANE Select); coding-DNA position 9302, C replaced by T.
Protein change: p.Pro3101Leu; replaces proline 3101 with leucine.
Molecular consequence: missense variant.
Genome position (GRCh38, 1-based): chr12:49,038,054, G>A on the plus strand (C>T on the coding strand, the complement: KMT2D is on the minus strand). VCF-style: chr12-49038054-G-A. GRCh37 (hg19) VCF-style: chr12-49431837-G-A.
Other names: short protein forms P3101L.
Identifiers: ClinVar variation 992808 (VCV000992808.7), dbSNP rs1271758887, ClinGen allele CA384738894.